The following is an entry in ClinVar:

ClinVar aggregate classification (germline): Pathogenic (1 of 4 stars; one submission).

Conditions:
Peroxisome biogenesis disorder. Identifiers: Orphanet 79189, MedGen C1832200, MONDO:0019234. Disease mechanism: loss of function.

Submission:

Myriad Genetics, Inc.
Classification: Pathogenic for Peroxisome biogenesis disorder. Last evaluated: 2025-09-11. Review status: criteria provided, single submitter. Criteria: Myriad Autosomal Dominant, Autosomal Recessive and X-Linked Classification Criteria (2023). Collection method: clinical testing. Allele origin: unknown.
Comment: NM_000287.3(PEX6):c.1268dupC(S424Ffs*21) is expected to be pathogenic in the context of peroxisome biogenesis disorder type 4. This variant is predicted to lead to an abnormal or absent protein product due to the creation of a premature termination codon in PEX6, a gene where loss-of-function variants are known to be pathogenic. Please note: this variant was assessed in the context of healthy population screening.

NM_000287.4(PEX6):c.1268dup (p.Ser424fs)

Gene: PEX6 (peroxisomal biogenesis factor 6; minus strand). Cytogenetic location: 6p21.1.
Variant type: Duplication.
Coding change: c.1268dup on transcript NM_000287.4 (MANE Select); coding-DNA position 1268, one base duplicated (C; older notation c.1268dupC).
Protein change: p.Ser424fs; shifts the reading frame from serine 424.
Molecular consequence: frameshift variant. On other transcripts: non-coding transcript variant (1).
Genome position (GRCh38, 1-based): chr6:42,969,767, G duplicated on the plus strand (C on the coding strand, the reverse complement: PEX6 is on the minus strand); the first of 3 consecutive G bases (chr6:42,969,767-42,969,769); duplicating any one gives the same sequence. VCF-style (leftmost placement, unchanged base first): chr6-42969766-A-AG. GRCh37 (hg19) VCF-style: chr6-42937504-A-AG.
Other names: c.1004dup, p.Ser336fs (NM_001316313.2); short protein forms S336fs, S424fs.
Identifiers: ClinVar variation 5014968 (VCV005014968.1).